The following is an entry in ClinVar:

ClinVar aggregate classification (germline): Uncertain significance. Review status: criteria provided, multiple submitters, no conflicts (2 of 4 stars). 3 submissions from 3 submitters: Uncertain significance (3). Last evaluated 2025-07-13.

Conditions:
Retinal dystrophy. Also called: Inherited retinal dystrophy. Identifiers: Orphanet 71862, MedGen C0854723, MeSH D058499, MONDO:0019118, HP:0000556.

Allele frequency attached by ClinVar (database versions not stated): gnomAD exomes 0.00001 and 0.00002.
gnomAD v4.1: 24 of 1,614,140 alleles (0.0015%); highest among the groups gnomAD compares: East Asian, 0.0022%; no homozygotes.

Submissions (3):

Labcorp Genetics (formerly Invitae), Labcorp
Classification: Uncertain significance. Last evaluated: 2025-07-13. Review status: criteria provided, single submitter. Criteria: Invitae Variant Classification Sherloc (09022015). Collection method: clinical testing. Allele origin: germline.
Comment: This sequence change replaces arginine, which is basic and polar, with cysteine, which is neutral and slightly polar, at codon 1094 of the PRPF8 protein (p.Arg1094Cys). This variant is present in population databases (no rsID available, gnomAD 0.007%). This variant has not been reported in the literature in individuals affected with PRPF8-related conditions. ClinVar contains an entry for this variant (Variation ID: 857147). Invitae Evidence Modeling of protein sequence and biophysical properties (such as structural, functional, and spatial information, amino acid conservation, physicochemical variation, residue mobility, and thermodynamic stability) indicates that this missense variant is not expected to disrupt PRPF8 protein function with a negative predictive value of 80%. In summary, the available evidence is currently insufficient to determine the role of this variant in disease. Therefore, it has been classified as a Variant of Uncertain Significance.

Blueprint Genetics
Classification: Uncertain significance. Last evaluated: 2024-07-09. Review status: criteria provided, single submitter. Criteria: ACMG Guidelines, 2015. Collection method: clinical testing. Allele origin: germline.

Dept Of Ophthalmology, Nagoya University
Classification: Uncertain significance for Retinal dystrophy. Last evaluated: 2023-10-01. Review status: criteria provided, single submitter. Criteria: Submitter's publication. Collection method: research. Allele origin: germline. Affected: yes.

NM_006445.4(PRPF8):c.3280C>T (p.Arg1094Cys)

Gene: PRPF8 (pre-mRNA processing factor 8; minus strand). Cytogenetic location: 17p13.3.
Variant type: single nucleotide variant.
Coding change: c.3280C>T on transcript NM_006445.4 (MANE Select); coding-DNA position 3280, C replaced by T.
Protein change: p.Arg1094Cys; replaces arginine 1094 with cysteine.
Molecular consequence: missense variant.
Genome position (GRCh38, 1-based): chr17:1,674,461, G>A on the plus strand (C>T on the coding strand, the complement: PRPF8 is on the minus strand). VCF-style: chr17-1674461-G-A. GRCh37 (hg19) VCF-style: chr17-1577755-G-A.
Other names: short protein forms R1094C.
Identifiers: ClinVar variation 857147 (VCV000857147.9), dbSNP rs1029078582, ClinGen allele CA286805385.
Genomic context (GRCh38, chr17:1,674,461, plus strand): 5'-CTCAGTACCCTGCAAGGCTAGGAATCCAGGAAAGCCCTCACCTGAAAAAAATATGGATGC[G>A]ATCAATGTATCTGCAGAAGAGACGGATGGGGTGGGCAGCCTCAGTGGCTATGTCCTGGAA-3'
Protein context (NP_006436.3, residues 1084-1104): PIRLFCRYID[Arg1094Cys]IHIFFRFTAD